The following is an entry in ClinVar:

ClinVar aggregate classification (germline): Conflicting classifications of pathogenicity. Review status: criteria provided, conflicting classifications (1 of 4 stars). 5 submissions from 5 submitters: Uncertain significance (1); Benign (2); Likely benign (2). Last evaluated 2026-01-22.

Conditions:
Majeed syndrome (MJDS). Also called: CHRONIC RECURRENT MULTIFOCAL OSTEOMYELITIS 1, WITH CONGENITAL DYSERYTHROPOIETIC ANEMIA, WITH OR WITHOUT NEUTROPHILIC DERMATOSIS; LPIN2-Related Majeed Syndrome. Identifiers: Orphanet 77297, MedGen C1864997, MONDO:0012316, OMIM 609628.

Allele frequency attached by ClinVar (database versions not stated): gnomAD exomes 0.00011 and 0.00022; ESP Exome Variant Server 0.00015; gnomAD 0.00016 and 0.00017; ExAC 0.00020; TOPMed 0.00020.
gnomAD v4.1: 196 of 1,541,922 alleles (0.013%); highest among the groups gnomAD compares: Admixed American, 0.028%; no homozygotes.

Submissions (6):

Labcorp Genetics (formerly Invitae), Labcorp
Classification: Benign for Majeed syndrome. Last evaluated: 2026-01-22. Review status: criteria provided, single submitter. Criteria: Invitae Variant Classification Sherloc (09022015). Collection method: clinical testing. Allele origin: germline.

Blueprint Genetics
Classification: Likely benign. Last evaluated: 2024-08-16. Review status: criteria provided, single submitter. Criteria: ACMG Guidelines, 2015. Collection method: clinical testing. Allele origin: germline.

ARUP Laboratories, Molecular Genetics and Genomics, ARUP Laboratories
Classification: Likely benign for Majeed syndrome. Last evaluated: 2023-09-28. Review status: criteria provided, single submitter. Criteria: ARUP Molecular Germline Variant Investigation Process 2024. Collection method: clinical testing. Allele origin: germline.

Illumina Laboratory Services, Illumina
Classification: Uncertain significance for Majeed syndrome. Last evaluated: 2018-01-13. Review status: criteria provided, single submitter. Criteria: ICSL Variant Classification Criteria 13 December 2019. Collection method: clinical testing. Allele origin: germline.

GeneDx
Classification: Benign. Last evaluated: 2013-02-01. Review status: criteria provided, single submitter. Criteria: GeneDx Variant Classification (06012015). Collection method: clinical testing. Allele origin: germline. Affected: yes.
Comment: This variant is considered likely benign or benign based on one or more of the following criteria: it is a conservative change, it occurs at a poorly conserved position in the protein, it is predicted to be benign by multiple in silico algorithms, and/or has population frequency not consistent with disease.

Dr. Peter K. Rogan Lab, Western University
No classification provided (evidence only). Condition: Acute myeloid leukemia. Review status: no classification provided. Collection method: in vitro. Allele origin: not applicable. Functional consequence: retained intron. Not counted in ClinVar's aggregate classification.

NM_001375808.2(LPIN2):c.2328-13A>T

Gene: LPIN2 (lipin 2; minus strand). Cytogenetic location: 18p11.31.
Variant type: single nucleotide variant.
Coding change: c.2328-13A>T on transcript NM_001375808.2 (MANE Select); 13 bases into the intron before coding-DNA position 2328, A replaced by T.
Molecular consequence: intron variant.
Genome position (GRCh38, 1-based): chr18:2,921,660, T>A on the plus strand (A>T on the coding strand, the complement: LPIN2 is on the minus strand). VCF-style: chr18-2921660-T-A. GRCh37 (hg19) VCF-style: chr18-2921658-T-A.
Other names: c.2328-13A>T (NM_014646.2, NM_001375809.1).
Identifiers: ClinVar variation 138136 (VCV000138136.23), dbSNP rs199830303, ClinGen allele CA291962.